The following is an entry in ClinVar:

NM_007215.4(POLG2):c.1351G>C (p.Gly451Arg)

Genes: POLG2 (DNA polymerase gamma 2, accessory subunit; minus strand), MILR1 (mast cell immunoglobulin like receptor 1; plus strand). Cytogenetic location: 17q23.3.
Variant type: single nucleotide variant.
Coding change: c.1351G>C on transcript NM_007215.4 (MANE Select); coding-DNA position 1351, G replaced by C.
Protein change: p.Gly451Arg; replaces glycine 451 with arginine.
Molecular consequence: missense variant.
Genome position (GRCh38, 1-based): chr17:64,477,930, C>G on the plus strand (G>C on the coding strand, the complement: POLG2 is on the minus strand). VCF-style: chr17-64477930-C-G. GRCh37 (hg19) VCF-style: chr17-62474047-C-G.
Other names: short protein forms G451R.
Identifiers: ClinVar variation 2861759 (VCV002861759.3), dbSNP rs2509513116, ClinGen allele CA400635466.

ClinVar aggregate classification (germline): Uncertain significance (1 of 4 stars; one submission).

Submission:

Labcorp Genetics (formerly Invitae), Labcorp
Classification: Uncertain significance. Last evaluated: 2023-05-02. Review status: criteria provided, single submitter. Criteria: Invitae Variant Classification Sherloc (09022015). Collection method: clinical testing. Allele origin: germline.
Comment: An algorithm developed to predict the effect of missense changes on protein structure and function (PolyPhen-2) suggests that this variant is likely to be disruptive. In summary, the available evidence is currently insufficient to determine the role of this variant in disease. Therefore, it has been classified as a Variant of Uncertain Significance. This variant has not been reported in the literature in individuals affected with POLG2-related conditions. This sequence change replaces glycine, which is neutral and non-polar, with arginine, which is basic and polar, at codon 451 of the POLG2 protein (p.Gly451Arg). This variant is not present in population databases (gnomAD no frequency).